The following is an entry in ClinVar:

NM_001127222.2(CACNA1A):c.1782-1G>A

Gene: CACNA1A (calcium voltage-gated channel subunit alpha1 A; minus strand). Cytogenetic location: 19p13.13.
Variant type: single nucleotide variant.
Coding change: c.1782-1G>A on transcript NM_001127222.2 (MANE Select); the canonical splice acceptor site of the intron before coding-DNA position 1782, G replaced by A.
Molecular consequence: splice acceptor variant.
Genome position (GRCh38, 1-based): chr19:13,308,252, C>T on the plus strand (G>A on the coding strand, the complement: CACNA1A is on the minus strand). VCF-style: chr19-13308252-C-T. GRCh37 (hg19) VCF-style: chr19-13419066-C-T.
Other names: c.1785-1G>A (NM_001127221.2, NM_001174080.2, NM_000068.4 and 1 more transcripts).
Identifiers: ClinVar variation 4790945 (VCV004790945.1).
Genomic context (GRCh38, chr19:13,308,252, plus strand): 5'-ATGATGGACTTCATGGAGTTGAGGAGAGAGACGACCAGGTTTCTGAGAGATGCCCAGTAC[C>T]TGCCGACAGAGGCCAGGCGAGGACTCAGGCCAGGCGGGGGAGGCAGGGCCCCGGAGTCAG-3'

ClinVar aggregate classification (germline): Likely pathogenic (1 of 4 stars; one submission).

Conditions:
Episodic ataxia type 2 (EA2). Also called: ACETAZOLAMIDE-RESPONSIVE HEREDITARY PAROXYSMAL CEREBELLAR ATAXIA; ATAXIA, EPISODIC, WITH NYSTAGMUS; ATAXIA, FAMILIAL PAROXYSMAL; CEREBELLAR ATAXIA, PAROXYSMAL, ACETAZOLAMIDE-RESPONSIVE; CEREBELLOPATHY, HEREDITARY PAROXYSMAL; EPISODIC ATAXIA, NYSTAGMUS-ASSOCIATED. Identifiers: Orphanet 97, MedGen C1720416, MONDO:0007163, OMIM 108500.
Developmental and epileptic encephalopathy, 42 (DEE42A). Also called: Epileptic encephalopathy, early infantile, 42; DEVELOPMENTAL AND EPILEPTIC ENCEPHALOPATHY 42A; EPILEPTIC ENCEPHALOPATHY, EARLY INFANTILE, 42A. Identifiers: MedGen C4310716, MONDO:0014917, OMIM 617106.

Submission:

Labcorp Genetics (formerly Invitae), Labcorp
Classification: Likely pathogenic for Developmental and epileptic encephalopathy, 42; Episodic ataxia type 2. Last evaluated: 2025-04-30. Review status: criteria provided, single submitter. Criteria: Invitae Variant Classification Sherloc (09022015). Collection method: clinical testing. Allele origin: germline.
Comment: This sequence change affects an acceptor splice site in intron 13 of the CACNA1A gene. It is expected to disrupt RNA splicing. Variants that disrupt the donor or acceptor splice site typically lead to a loss of protein function (PMID: 16199547), and loss-of-function variants in CACNA1A are known to be pathogenic (PMID: 10371528, 19486177, 25735478, 27250579). This variant is not present in population databases (gnomAD no frequency). This variant has not been reported in the literature in individuals affected with CACNA1A-related conditions. Algorithms developed to predict the effect of sequence changes on RNA splicing suggest that this variant may disrupt the consensus splice site. In summary, the currently available evidence indicates that the variant is pathogenic, but additional data are needed to prove that conclusively. Therefore, this variant has been classified as Likely Pathogenic.

Literature cited by the submitters: PubMed 16199547; PubMed 10371528; PubMed 19486177; PubMed 25735478; PubMed 27250579.